The following is an entry in ClinVar:

NM_000368.5(TSC1):c.758A>C (p.His253Pro)

Gene: TSC1 (TSC complex subunit 1; minus strand). Cytogenetic location: 9q34.13.
Variant type: single nucleotide variant.
Coding change: c.758A>C on transcript NM_000368.5 (MANE Select); coding-DNA position 758, A replaced by C.
Protein change: p.His253Pro; replaces histidine 253 with proline.
Molecular consequence: missense variant.
Genome position (GRCh38, 1-based): chr9:132,912,437, T>G on the plus strand (A>C on the coding strand, the complement: TSC1 is on the minus strand). VCF-style: chr9-132912437-T-G. GRCh37 (hg19) VCF-style: chr9-135787824-T-G.
Other names: c.758A>C, p.His253Pro (NM_001162426.2, NM_001406592.1, NM_001406593.1 and 16 more transcripts); c.605A>C, p.His202Pro (NM_001162427.2, NM_001406610.1, NM_001406611.1 and 2 more transcripts); c.395A>C, p.His132Pro (NM_001362177.2, NM_001406614.1, NM_001406615.1 and 10 more transcripts); c.-194A>C (NM_001406626.1, NM_001406627.1, NM_001406628.1); c.-336A>C (NM_001406629.1, NM_001406630.1); short protein forms H132P, H253P, H202P.
Identifiers: ClinVar variation 1759641 (VCV001759641.3), dbSNP rs2538896661, ClinGen allele CA375369659.

ClinVar aggregate classification (germline): Uncertain significance (1 of 4 stars; one submission).

Conditions:
Hereditary cancer-predisposing syndrome. Also called: Hereditary Cancer Syndrome; Hereditary neoplastic syndrome; Neoplastic Syndromes, Hereditary; Tumor predisposition. Identifiers: Orphanet 140162, MedGen C0027672, MeSH D009386, MONDO:0015356.

Submission:

Ambry Genetics
Classification: Uncertain significance for Hereditary cancer-predisposing syndrome. Last evaluated: 2026-08-11. Review status: criteria provided, single submitter. Criteria: Ambry Variant Classification Scheme 2023. Collection method: clinical testing. Allele origin: germline.
Comment: The p.H253P variant (also known as c.758A>C), located in coding exon 7 of the TSC1 gene, results from an A to C substitution at nucleotide position 758. The histidine at codon 253 is replaced by proline, an amino acid with similar properties. This amino acid position is well conserved in available vertebrate species. In addition, this alteration is predicted to be deleterious by in silico analysis. Based on the available evidence, the clinical significance of this variant remains unclear.